The following is an entry in ClinVar:

NM_000051.4(ATM):c.2125-12del

Gene: ATM (ATM serine/threonine kinase; plus strand). Cytogenetic location: 11q22.3.
Variant type: Deletion.
Coding change: c.2125-12del on transcript NM_000051.4 (MANE Select); 12 bases into the intron before coding-DNA position 2125, one base deleted (G; older notation c.2125-12delG).
Molecular consequence: intron variant.
Genome position (GRCh38, 1-based): chr11:108,256,203, G deleted; the last of 2 consecutive G bases (chr11:108,256,202-108,256,203); deleting either gives the same sequence. VCF-style (leftmost placement, unchanged base first): chr11-108256201-TG-T. GRCh37 (hg19) VCF-style: chr11-108126928-TG-T.
Other names: c.2125-13delG (NM_000051.3); c.2125-12del (NM_001351834.2, NM_000051.3).
Identifiers: ClinVar variation 490454 (VCV000490454.16), dbSNP rs1555074807, ClinGen allele CA658683733.

ClinVar aggregate classification (germline): Conflicting classifications of pathogenicity. Review status: criteria provided, conflicting classifications (1 of 4 stars). 6 submissions from 6 submitters: Uncertain significance (1); Likely benign (5). Last evaluated 2026-01-25.

Conditions:
Hereditary cancer-predisposing syndrome. Also called: Tumor predisposition; Neoplastic Syndromes, Hereditary; Hereditary Cancer Syndrome; Hereditary neoplastic syndrome. Identifiers: Orphanet 140162, MedGen C0027672, MeSH D009386, MONDO:0015356.
Familial cancer of breast. Also called: BREAST CANCER, FAMILIAL; hereditary breast carcinoma; Hereditary breast cancer. Identifiers: Orphanet 227535, MedGen C0346153, MONDO:0016419, OMIM 114480. Disease mechanism: loss of function.
Ataxia-telangiectasia syndrome (AT). Also called: Ataxia-telangiectasia; Ataxia-telangiectasia, complementation group D; AT, COMPLEMENTATION GROUP C; LOUIS-BAR SYNDROME; Cerebello-oculocutaneous telangiectasia; Immunodeficiency with ataxia telangiectasia. Identifiers: Orphanet 100, MedGen C0004135, MONDO:0008840, OMIM 208900.

Submissions (6):

Labcorp Genetics (formerly Invitae), Labcorp
Classification: Likely benign for Ataxia-telangiectasia syndrome. Last evaluated: 2026-01-25. Review status: criteria provided, single submitter. Criteria: Invitae Variant Classification Sherloc (09022015). Collection method: clinical testing. Allele origin: germline.

Myriad Genetics, Inc.
Classification: Likely benign for Familial cancer of breast. Last evaluated: 2024-05-07. Review status: criteria provided, single submitter. Criteria: Myriad Autosomal Dominant, Autosomal Recessive and X-Linked Classification Criteria (2023). Collection method: clinical testing. Allele origin: unknown.
Comment: This variant is considered likely benign. This variant is intronic and is not expected to impact mRNA splicing.

Sema4
Classification: Likely benign for Hereditary cancer-predisposing syndrome. Last evaluated: 2020-09-10. Review status: criteria provided, single submitter. Criteria: Sema4 Curation Guidelines. Collection method: curation. Allele origin: germline.

Department of Pathology and Laboratory Medicine, Sinai Health System
Classification: Uncertain significance for Familial cancer of breast. Last evaluated: 2020-08-18. Review status: criteria provided, single submitter. Criteria: ACMG Guidelines, 2015. Collection method: clinical testing. Allele origin: germline. Affected: yes.

GeneDx
Classification: Likely benign. Last evaluated: 2019-03-27. Review status: criteria provided, single submitter. Criteria: GeneDx Variant Classification Process June 2021. Collection method: clinical testing. Allele origin: germline. Affected: yes.

Color Diagnostics, LLC DBA Color Health
Classification: Likely benign for Hereditary cancer-predisposing syndrome. Last evaluated: 2015-11-30. Review status: criteria provided, single submitter. Criteria: ACMG Guidelines, 2015. Collection method: clinical testing. Allele origin: germline.